The following is an entry in ClinVar:

NM_000368.5(TSC1):c.3438C>G (p.Asp1146Glu)

Gene: TSC1 (TSC complex subunit 1; minus strand). Cytogenetic location: 9q34.13.
Variant type: single nucleotide variant.
Coding change: c.3438C>G on transcript NM_000368.5 (MANE Select); coding-DNA position 3438, C replaced by G.
Protein change: p.Asp1146Glu; replaces aspartic acid 1146 with glutamic acid.
Molecular consequence: missense variant. On other transcripts: non-coding transcript variant (5).
Genome position (GRCh38, 1-based): chr9:132,896,292, G>C on the plus strand (C>G on the coding strand, the complement: TSC1 is on the minus strand). VCF-style: chr9-132896292-G-C. GRCh37 (hg19) VCF-style: chr9-135771679-G-C.
Other names: c.3420C>G, p.Asp1140Glu (NM_001406604.1, NM_001406603.1); c.3396C>G, p.Asp1132Glu (NM_001406605.1, NM_001406606.1, NM_001406607.1); c.3393C>G, p.Asp1131Glu (NM_001406608.1, NM_001406609.1); c.3285C>G, p.Asp1095Glu (NM_001406610.1, NM_001162427.2); c.3282C>G, p.Asp1094Glu (NM_001406611.1, NM_001406612.1); c.3240C>G, p.Asp1080Glu (NM_001406613.1); c.3075C>G, p.Asp1025Glu (NM_001406614.1, NM_001406615.1, NM_001406616.1 and 4 more transcripts); c.3072C>G, p.Asp1024Glu (NM_001406620.1, NM_001406621.1, NM_001406622.1 and 1 more transcripts); and 8 more; short protein forms D1011E, D1025E, D1094E, D1140E, D829E, D1024E, D1080E, D1131E.
Identifiers: ClinVar variation 2821549 (VCV002821549.5), dbSNP rs1845026177, ClinGen allele CA375366379.

ClinVar aggregate classification (germline): Uncertain significance. Review status: criteria provided, multiple submitters, no conflicts (2 of 4 stars). 3 submissions from 3 submitters: Uncertain significance (3). Last evaluated 2026-04-11.

Conditions:
Hereditary cancer-predisposing syndrome. Also called: Tumor predisposition; Hereditary neoplastic syndrome; Neoplastic Syndromes, Hereditary; Hereditary Cancer Syndrome. Identifiers: Orphanet 140162, MedGen C0027672, MeSH D009386, MONDO:0015356.
Tuberous sclerosis syndrome (TSC). Also called: Tuberous Sclerosis Complex; Tuberous sclerosis. Identifiers: Orphanet 805, MedGen C0041341, MONDO:0001734.
Tuberous sclerosis 1 (TSC1). Identifiers: Orphanet 805, MedGen C1854465, MONDO:0008612, OMIM 191100.

Allele frequency attached by ClinVar (database versions not stated): TOPMed below 0.00001.

Submissions (3):

Ambry Genetics
Classification: Uncertain significance for Hereditary cancer-predisposing syndrome. Last evaluated: 2026-04-11. Review status: criteria provided, single submitter. Criteria: Ambry Variant Classification Scheme 2023. Collection method: clinical testing. Allele origin: germline.
Comment: The p.D1146E variant (also known as c.3438C>G), located in coding exon 21 of the TSC1 gene, results from a C to G substitution at nucleotide position 3438. The aspartic acid at codon 1146 is replaced by glutamic acid, an amino acid with highly similar properties. This amino acid position is conserved. In addition, this alteration is predicted to be tolerated by in silico analysis. Based on the available evidence, the clinical significance of this variant remains unclear.

All of Us Research Program, National Institutes of Health
Classification: Uncertain significance for Tuberous sclerosis syndrome. Last evaluated: 2023-08-15. Review status: criteria provided, single submitter. Criteria: ACMG Guidelines, 2015. Collection method: clinical testing. Allele origin: germline. Inheritance: Autosomal dominant inheritance. Observed: 1 variant allele, 1 heterozygote.
Comment: This study involves interpretation of variants in research participants for the purpose of population health screening. Participant phenotype was not available at the time of variant classification. Additional details can be found in publication PMID: 35346344, PMCID: PMC8962531

Labcorp Genetics (formerly Invitae), Labcorp
Classification: Uncertain significance for Tuberous sclerosis 1. Last evaluated: 2022-12-19. Review status: criteria provided, single submitter. Criteria: Invitae Variant Classification Sherloc (09022015). Collection method: clinical testing. Allele origin: germline.
Comment: In summary, the available evidence is currently insufficient to determine the role of this variant in disease. Therefore, it has been classified as a Variant of Uncertain Significance. Advanced modeling of protein sequence and biophysical properties (such as structural, functional, and spatial information, amino acid conservation, physicochemical variation, residue mobility, and thermodynamic stability) performed at Invitae indicates that this missense variant is not expected to disrupt TSC1 protein function. This variant has not been reported in the literature in individuals affected with TSC1-related conditions. This variant is not present in population databases (gnomAD no frequency). This sequence change replaces aspartic acid, which is acidic and polar, with glutamic acid, which is acidic and polar, at codon 1146 of the TSC1 protein (p.Asp1146Glu).